The following is an entry in ClinVar:

ClinVar aggregate classification (germline): Pathogenic (1 of 4 stars; one submission).

Submission:

Quest Diagnostics Nichols Institute San Juan Capistrano
Classification: Pathogenic. Last evaluated: 2023-05-22. Review status: criteria provided, single submitter. Criteria: ACMG/ClinGen CNV Guidelines, 2019. Collection method: clinical testing. Allele origin: unknown.
Comment: The copy number gain of 17p12 includes the PMP22 gene (OMIM 601097) and is consistent with Charcot-Marie-Tooth disease type 1A (OMIM 118220). Duplication of PMP22 accounts for 70-80% of all Charcot-Marie-Tooth neuropathy type 1 (CMT1). Therefore, this copy number variant is classified as pathogenic. See StatPearls for additional information and references.

GRCh37/hg19 17p12(chr17:14085652-15512120)x3

Genes: CDRT15 (CMT1A duplicated region transcript 15; minus strand), CDRT4 (CMT1A duplicated region transcript 4; minus strand), COX10 (cytochrome c oxidase assembly factor heme A:farnesyltransferase COX10; plus strand), FBXW10B (F-box and WD repeat domain containing 10B; minus strand), HS3ST3B1 (heparan sulfate-glucosamine 3-sulfotransferase 3B1; plus strand) and 4 more. Cytogenetic location: 17p12.
Variant type: copy number gain.
Change: copy number 3 (three copies instead of two) of chr17:14,085,652-15,512,120 (1.43 Mb, GRCh37 coordinates, 1-based), cytogenetic band 17p12.
Identifiers: ClinVar variation 564403 (VCV000564403.3).